The following is an entry in ClinVar:

NM_000018.4(ACADVL):c.1838_1841dup (p.Ile614fs)

Gene: ACADVL (acyl-CoA dehydrogenase very long chain; plus strand). Cytogenetic location: 17p13.1.
Variant type: Duplication.
Coding change: c.1838_1841dup on transcript NM_000018.4 (MANE Select); coding-DNA positions 1838 to 1841, 4 bases duplicated (GGAT; older notation c.1838_1841dupGGAT).
Protein change: p.Ile614fs; shifts the reading frame from isoleucine 614.
Molecular consequence: frameshift variant.
Genome position (GRCh38, 1-based): chr17:7,224,967-7,224,970, GGAT duplicated. VCF-style (leftmost placement, unchanged base first): chr17-7224966-C-CGGAT. GRCh37 (hg19) VCF-style: chr17-7128285-C-CGGAT.
Other names: c.1772_1775dup, p.Ile592fs (NM_001033859.3); c.1907_1910dup, p.Ile637fs (NM_001270447.2); c.1610_1613dup, p.Ile538fs (NM_001270448.2); short protein forms I538fs, I592fs, I614fs, I637fs.
Identifiers: ClinVar variation 2718661 (VCV002718661.3), dbSNP rs2508373099, ClinGen allele CA2697559358.
Genomic context (GRCh38, chr17:7,224,966, plus strand): 5'-CTCAGGTGAGGGCTGGAGGTGCAGGCCCAACCCCTCCTTCCCTCTCCCCAGGCTGCAGCT[C>CGGAT]GGATCCGAGAGGGCATGGCCGCCCTGCAGTCTGACCCCTGGCAGCAAGAGCTCTACCGCA-3'

ClinVar aggregate classification (germline): Pathogenic (1 of 4 stars; one submission).

Conditions:
Very long chain acyl-CoA dehydrogenase deficiency (ACADVLD). Also called: VLCAD Deficiency; Very Long-Chain Acyl-Coenzyme A Dehydrogenase Deficiency. Identifiers: Orphanet 26793, MedGen C3887523, MONDO:0008723, OMIM 201475.

Submission:

Labcorp Genetics (formerly Invitae), Labcorp
Classification: Pathogenic for Very long chain acyl-CoA dehydrogenase deficiency. Last evaluated: 2023-06-17. Review status: criteria provided, single submitter. Criteria: Invitae Variant Classification Sherloc (09022015). Collection method: clinical testing. Allele origin: germline.
Comment: This variant disrupts a region of the ACADVL protein in which other variant(s) (p.Val642Met) have been determined to be pathogenic (PMID: 31031081). This suggests that this is a clinically significant region of the protein, and that variants that disrupt it are likely to be disease-causing. This sequence change creates a premature translational stop signal (p.Ile614Metfs*12) in the ACADVL gene. While this is not anticipated to result in nonsense mediated decay, it is expected to disrupt the last 42 amino acid(s) of the ACADVL protein. This variant is not present in population databases (gnomAD no frequency). This variant has not been reported in the literature in individuals affected with ACADVL-related conditions. For these reasons, this variant has been classified as Pathogenic.

Literature cited by the submitters: PubMed 31031081.